The following is an entry in ClinVar:

NM_020166.5(MCCC1):c.2050-193A>G

Gene: MCCC1 (methylcrotonyl-CoA carboxylase subunit 1; minus strand). Cytogenetic location: 3q27.1.
Variant type: single nucleotide variant.
Coding change: c.2050-193A>G on transcript NM_020166.5 (MANE Select); 193 bases into the intron before coding-DNA position 2050, A replaced by G.
Molecular consequence: intron variant.
Genome position (GRCh38, 1-based): chr3:183,015,759, T>C on the plus strand (A>G on the coding strand, the complement: MCCC1 is on the minus strand). VCF-style: chr3-183015759-T-C. GRCh37 (hg19) VCF-style: chr3-182733547-T-C.
Other names: c.1723-193A>G (NM_001363880.1); c.1699-193A>G (NM_001293273.2).
Identifiers: ClinVar variation 684210 (VCV000684210.1), dbSNP rs12486983, ClinGen allele CA11488644.

ClinVar aggregate classification (germline): Benign (1 of 4 stars; one submission).

Allele frequency attached by ClinVar (database versions not stated): 1000 Genomes Project 30x 0.46299; 1000 Genomes Project 0.46585; TOPMed 0.54774; gnomAD 0.56970 and 0.57007.
gnomAD v4.1: 86,817 of 151,956 alleles (57%); highest among the groups gnomAD compares: Non-Finnish European, 74%; 28,076 homozygotes.

Submission:

GeneDx
Classification: Benign. Last evaluated: 2018-06-14. Review status: criteria provided, single submitter. Criteria: GeneDx Variant Classification (06012015). Collection method: clinical testing. Allele origin: germline. Affected: yes.
Comment: This variant is considered likely benign or benign based on one or more of the following criteria: it is a conservative change, it occurs at a poorly conserved position in the protein, it is predicted to be benign by multiple in silico algorithms, and/or has population frequency not consistent with disease.